The following is an entry in ClinVar:

ClinVar aggregate classification (germline): Pathogenic. Review status: criteria provided, multiple submitters, no conflicts (2 of 4 stars). 2 submissions from 2 submitters: Pathogenic (2). Last evaluated 2023-06-24.

Conditions:
Cone-rod dystrophy and hearing loss 2 (CRDHL2). Identifiers: MedGen C5193051, MONDO:0020780, OMIM 618358.

Submissions (2):

Labcorp Genetics (formerly Invitae), Labcorp
Classification: Pathogenic. Last evaluated: 2023-06-24. Review status: criteria provided, single submitter. Criteria: Invitae Variant Classification Sherloc (09022015). Collection method: clinical testing. Allele origin: germline.
Comment: For these reasons, this variant has been classified as Pathogenic. This variant has not been reported in the literature in individuals affected with CEP250-related conditions. Information on the frequency of this variant in the gnomAD database is not available, as this variant may be reported differently in the database. This sequence change creates a premature translational stop signal (p.Leu1425Serfs*2) in the CEP250 gene. It is expected to result in an absent or disrupted protein product. Loss-of-function variants in CEP250 are known to be pathogenic (PMID: 24780881, 29718797).

Laboratoire de Génétique Moléculaire, CHU Bordeaux
Classification: Pathogenic for Cone-rod dystrophy and hearing loss 2. Review status: criteria provided, single submitter. Criteria: ACMG Guidelines, 2015. Collection method: clinical testing. Allele origin: germline. Affected: yes.

Literature cited by the submitters: PubMed 24780881 (cited by Labcorp Genetics (formerly Invitae), Labcorp); PubMed 29718797 (cited by Labcorp Genetics (formerly Invitae), Labcorp).

NM_007186.6(CEP250):c.4272_4273delinsT (p.Leu1425fs)

Gene: CEP250 (centrosomal protein 250; plus strand). Cytogenetic location: 20q11.22.
Variant type: Indel.
Coding change: c.4272_4273delinsT on transcript NM_007186.6 (MANE Select); coding-DNA positions 4272 to 4273, CC replaced by T.
Protein change: p.Leu1425fs; shifts the reading frame from leucine 1425.
Molecular consequence: frameshift variant.
Genome position (GRCh38, 1-based): chr20:35,502,641-35,502,642, CC replaced by T. VCF-style: chr20-35502641-CC-T. GRCh37 (hg19) VCF-style: chr20-34090469-CC-T.
Other names: c.2376_2377delinsT, p.Leu793fs (NM_001318219.1); short protein forms L793fs, L1425fs.
Identifiers: ClinVar variation 969355 (VCV000969355.8), dbSNP rs2064043746, ClinGen allele CA1139666691.
Genomic context (GRCh38, chr20:35,502,641, plus strand): 5'-TCTGCAAGAGCAGGGCGAACTGAAGGTGGCCCAAGGGAAGGCTCTGCAAGAGAATTTGGC[CC>T]TCCTGACCCAGACCCTAGCTGAAAGAGAAGAGGAGGTGGAGACTCTGCGGGGACAAATCC-3'